The following is an entry in ClinVar:

NM_004260.4(RECQL4):c.641C>T (p.Ser214Leu)

Gene: RECQL4 (RecQ like helicase 4; minus strand). Cytogenetic location: 8q24.3.
Variant type: single nucleotide variant.
Coding change: c.641C>T on transcript NM_004260.4 (MANE Select); coding-DNA position 641, C replaced by T.
Protein change: p.Ser214Leu; replaces serine 214 with leucine.
Molecular consequence: missense variant.
Genome position (GRCh38, 1-based): chr8:144,516,478, G>A on the plus strand (C>T on the coding strand, the complement: RECQL4 is on the minus strand). VCF-style: chr8-144516478-G-A. GRCh37 (hg19) VCF-style: chr8-145741862-G-A.
Other names: c.641C>T, p.Ser214Leu (NM_001413017.1, NM_001413018.1, NM_001413019.1 and 4 more transcripts); c.-431C>T (NM_001413022.1, NM_001413023.1, NM_001413024.1 and 5 more transcripts); c.512C>T, p.Ser171Leu (NM_001413025.1); c.-493C>T (NM_001413027.1, NM_001413030.1, NM_001413031.1 and 2 more transcripts); c.-335C>T (NM_001413034.1); c.-700C>T (NM_001413043.1); short protein forms S171L, S214L.
Identifiers: ClinVar variation 2058554 (VCV002058554.4), dbSNP rs1317950691, ClinGen allele CA372689953.
Genomic context (GRCh38, chr8:144,516,478, plus strand): 5'-GAGCCAGCACCAGGACCAAGGACAGCCGACTCACCAGGGATCAGAAGTTGTGATTCCTCT[G>A]AGCCTAGATCAGGCCTGCAGGCTTTGGGGGCCCCCAGAAAATCTGGGACCTCACTGTGAC-3'
Protein context (NP_004251.4, residues 204-224): APKACRPDLG[Ser214Leu]EESQLLIPGE

ClinVar aggregate classification (germline): Uncertain significance (1 of 4 stars; one submission).

Conditions:
Baller-Gerold syndrome (BGS). Also called: CRANIOSYNOSTOSIS WITH RADIAL DEFECTS. Identifiers: Orphanet 1225, MedGen C0265308, MONDO:0009039, OMIM 218600.

Submission:

Labcorp Genetics (formerly Invitae), Labcorp
Classification: Uncertain significance for Baller-Gerold syndrome. Last evaluated: 2022-08-16. Review status: criteria provided, single submitter. Criteria: Invitae Variant Classification Sherloc (09022015). Collection method: clinical testing. Allele origin: germline.
Comment: This sequence change replaces serine, which is neutral and polar, with leucine, which is neutral and non-polar, at codon 214 of the RECQL4 protein (p.Ser214Leu). This variant is present in population databases (no rsID available, gnomAD 0.0009%). This variant has not been reported in the literature in individuals affected with RECQL4-related conditions. Experimental studies and prediction algorithms are not available or were not evaluated, and the functional significance of this variant is currently unknown. In summary, the available evidence is currently insufficient to determine the role of this variant in disease. Therefore, it has been classified as a Variant of Uncertain Significance.